The following is an entry in ClinVar:

ClinVar aggregate classification (germline): Uncertain significance. Review status: criteria provided, multiple submitters, no conflicts (2 of 4 stars). 2 submissions from 2 submitters: Uncertain significance (2). Last evaluated 2025-03-18.

Conditions:
Inborn genetic diseases. Identifiers: MedGen C0950123, MeSH D030342.

Allele frequency attached by ClinVar (database versions not stated): gnomAD 0.00001; TOPMed below 0.00001.
gnomAD v4.1: 2 of 1,613,912 alleles (0.00012%); highest among the groups gnomAD compares: African/African-American, 0.0027%; no homozygotes.

Submissions (2):

Ambry Genetics
Classification: Uncertain significance for Inborn genetic diseases. Last evaluated: 2025-03-18. Review status: criteria provided, single submitter. Criteria: Ambry Variant Classification Scheme 2023. Collection method: clinical testing. Allele origin: germline.

Labcorp Genetics (formerly Invitae), Labcorp
Classification: Uncertain significance. Last evaluated: 2022-06-13. Review status: criteria provided, single submitter. Criteria: Invitae Variant Classification Sherloc (09022015). Collection method: clinical testing. Allele origin: germline.
Comment: This sequence change replaces glutamic acid, which is acidic and polar, with aspartic acid, which is acidic and polar, at codon 503 of the LCA5 protein (p.Glu503Asp). This variant is present in population databases (no rsID available, gnomAD 0.01%). This variant has not been reported in the literature in individuals affected with LCA5-related conditions. Algorithms developed to predict the effect of missense changes on protein structure and function output the following: SIFT: "Tolerated"; PolyPhen-2: "Benign"; Align-GVGD: "Class C0". The aspartic acid amino acid residue is found in multiple mammalian species, which suggests that this missense change does not adversely affect protein function. In summary, the available evidence is currently insufficient to determine the role of this variant in disease. Therefore, it has been classified as a Variant of Uncertain Significance.

NM_001122769.3(LCA5):c.1509G>C (p.Glu503Asp)

Gene: LCA5 (lebercilin LCA5; minus strand). Cytogenetic location: 6q14.1.
Variant type: single nucleotide variant.
Coding change: c.1509G>C on transcript NM_001122769.3 (MANE Select); coding-DNA position 1509, G replaced by C.
Protein change: p.Glu503Asp; replaces glutamic acid 503 with aspartic acid.
Molecular consequence: missense variant.
Genome position (GRCh38, 1-based): chr6:79,487,589, C>G on the plus strand (G>C on the coding strand, the complement: LCA5 is on the minus strand). VCF-style: chr6-79487589-C-G. GRCh37 (hg19) VCF-style: chr6-80197306-C-G.
Other names: c.1509G>C, p.Glu503Asp (NM_181714.4); c.1509G>C (NM_181714.3); short protein forms E503D.
Identifiers: ClinVar variation 1401451 (VCV001401451.6), dbSNP rs776693525, ClinGen allele CA364640448.
Genomic context (GRCh38, chr6:79,487,589, plus strand): 5'-ATGATGCCCATTAAATAATCTCTCTGAGGATTCAGAGAACCTGTATGTTTTGGGGCTTCT[C>G]TCTGGGGAGTGTAGTTTTGATTCAAAATCAGGTAACAATGGCAAAACAGGGTATTTTAGA-3'
Protein context (NP_001116241.1, residues 493-513): PDFESKLHSP[Glu503Asp]RSPKTYRFSE